The following is an entry in ClinVar:

ClinVar aggregate classification (germline): Uncertain significance (1 of 4 stars; one submission).

Conditions:
Myofibrillar myopathy 4. Also called: Zaspopathy (type). Identifiers: Orphanet 98912, MedGen C4721886, MONDO:0012277, OMIM 609452.

Allele frequency attached by ClinVar (database versions not stated): gnomAD exomes below 0.00001 and 0.00002; ExAC 0.00001; gnomAD 0.00001.
gnomAD v4.1: 14 of 1,613,676 alleles (0.00087%); highest among the groups gnomAD compares: Non-Finnish European, 0.0012%; no homozygotes.

Submission:

Labcorp Genetics (formerly Invitae), Labcorp
Classification: Uncertain significance for Myofibrillar myopathy 4. Last evaluated: 2022-06-27. Review status: criteria provided, single submitter. Criteria: Invitae Variant Classification Sherloc (09022015). Collection method: clinical testing. Allele origin: germline.
Comment: The LDB3 gene has multiple clinically relevant transcripts. This variant occurs in alternate transcript NM_007078.3, and corresponds to NM_001080116.1:c.*17201G>A in the primary transcript. This sequence change replaces aspartic acid, which is acidic and polar, with asparagine, which is neutral and polar, at codon 494 of the LDB3 protein (p.Asp494Asn). This variant is present in population databases (rs773233738, gnomAD 0.0009%). This variant has not been reported in the literature in individuals affected with LDB3-related conditions. Experimental studies and prediction algorithms are not available or were not evaluated, and the functional significance of this variant is currently unknown. In summary, the available evidence is currently insufficient to determine the role of this variant in disease. Therefore, it has been classified as a Variant of Uncertain Significance.

NM_007078.3(LDB3):c.1480G>A (p.Asp494Asn)

Gene: LDB3 (LIM domain binding 3; plus strand). Cytogenetic location: 10q23.2.
Variant type: single nucleotide variant.
Coding change: c.1480G>A on transcript NM_007078.3 (MANE Select); coding-DNA position 1480, G replaced by A.
Protein change: p.Asp494Asn; replaces aspartic acid 494 with asparagine.
Molecular consequence: missense variant.
Genome position (GRCh38, 1-based): chr10:86,716,575, G>A. VCF-style: chr10-86716575-G-A. GRCh37 (hg19) VCF-style: chr10-88476332-G-A.
Other names: c.1150G>A, p.Asp384Asn (NM_001080114.2); c.1495G>A, p.Asp499Asn (NM_001171610.2); c.1291G>A, p.Asp431Asn (NM_001368064.1, NM_001368065.1); c.1339G>A, p.Asp447Asn (NM_001368066.1); short protein forms D431N, D447N, D384N, D494N, D499N.
Identifiers: ClinVar variation 1433835 (VCV001433835.6), dbSNP rs773233738, ClinGen allele CA5585168.